The following is an entry in ClinVar:

ClinVar aggregate classification (germline): Uncertain significance (1 of 4 stars; one submission).

Submission:

GeneDx
Classification: Uncertain significance. Last evaluated: 2025-04-24. Review status: criteria provided, single submitter. Criteria: GeneDx Variant Classification Process June 2021. Collection method: clinical testing. Allele origin: germline. Affected: yes.
Comment: Not observed at significant frequency in large population cohorts (gnomAD); In silico analysis supports that this missense variant has a deleterious effect on protein structure/function; Has not been previously published as pathogenic or benign to our knowledge; Reported using an alternate transcript of the gene

NM_004991.4(MECOM):c.235G>A (p.Glu79Lys)

Gene: MECOM (MDS1 and EVI1 complex locus; minus strand). Cytogenetic location: 3q26.2.
Variant type: single nucleotide variant.
Coding change: c.235G>A on transcript NM_004991.4 (MANE Select); coding-DNA position 235, G replaced by A.
Protein change: p.Glu79Lys; replaces glutamic acid 79 with lysine.
Molecular consequence: missense variant. On other transcripts: intron variant (1).
Genome position (GRCh38, 1-based): chr3:169,381,327, C>T on the plus strand (G>A on the coding strand, the complement: MECOM is on the minus strand). VCF-style: chr3-169381327-C-T. GRCh37 (hg19) VCF-style: chr3-169099115-C-T.
Other names: c.235G>A, p.Glu79Lys (NM_001366466.2, NM_001366473.2); c.-189-237495G>A (NM_001205194.2); short protein forms E79K.
Identifiers: ClinVar variation 4527304 (VCV004527304.1).